The following is an entry in ClinVar:

NM_005502.4(ABCA1):c.5020G>T (p.Val1674Leu)

Gene: ABCA1 (ATP binding cassette subfamily A member 1; minus strand). Cytogenetic location: 9q31.1.
Variant type: single nucleotide variant.
Coding change: c.5020G>T on transcript NM_005502.4 (MANE Select); coding-DNA position 5020, G replaced by T.
Protein change: p.Val1674Leu; replaces valine 1674 with leucine.
Molecular consequence: missense variant.
Genome position (GRCh38, 1-based): chr9:104,798,522, C>A on the plus strand (G>T on the coding strand, the complement: ABCA1 is on the minus strand). VCF-style: chr9-104798522-C-A. GRCh37 (hg19) VCF-style: chr9-107560803-C-A.
Other names: short protein forms V1674L.
Identifiers: ClinVar variation 3224762 (VCV003224762.1), dbSNP rs138422574, ClinGen allele CA374314130.
Genomic context (GRCh38, chr9:104,798,522, plus strand): 5'-TCACTCCACTGATGAACTGCAGGTGTTTTGCTTTGCTGACCCGCTCCTGGATCAGGAATA[C>A]GACAAAGCTGGCTGGGACGAAGGACATTGCAAAGATGACACAGATGGACACAAGGACATC-3'
Protein context (NP_005493.2, residues 1664-1684): AMSFVPASFV[Val1674Leu]FLIQERVSKA

ClinVar aggregate classification (germline): Uncertain significance (1 of 4 stars; one submission).

Conditions:
Cardiovascular phenotype. Identifiers: MedGen CN230736.

Submission:

Ambry Genetics
Classification: Uncertain significance for Cardiovascular phenotype. Last evaluated: 2023-10-23. Review status: criteria provided, single submitter. Criteria: Ambry Variant Classification Scheme 2023. Collection method: clinical testing. Allele origin: germline.
Comment: The p.V1674L variant (also known as c.5020G>T), located in coding exon 36 of the ABCA1 gene, results from a G to T substitution at nucleotide position 5020. The valine at codon 1674 is replaced by leucine, an amino acid with highly similar properties. This amino acid position is conserved. In addition, the in silico prediction for this alteration is inconclusive. Since supporting evidence is limited at this time, the clinical significance of this alteration remains unclear.